The following is an entry in ClinVar:

NM_001304438.2(TMEM132E):c.2300G>A (p.Arg767Gln)

Gene: TMEM132E (transmembrane protein 132E; plus strand). Cytogenetic location: 17q12.
Variant type: single nucleotide variant.
Coding change: c.2300G>A on transcript NM_001304438.2 (MANE Select); coding-DNA position 2300, G replaced by A.
Protein change: p.Arg767Gln; replaces arginine 767 with glutamine.
Molecular consequence: missense variant.
Genome position (GRCh38, 1-based): chr17:34,637,307, G>A. VCF-style: chr17-34637307-G-A. GRCh37 (hg19) VCF-style: chr17-32964326-G-A.
Other names: c.2300G>A (NM_001304438.1); short protein forms R767Q.
Identifiers: ClinVar variation 501073 (VCV000501073.15), dbSNP rs147570260, ClinGen allele CA8496932.
Genomic context (GRCh38, chr17:34,637,307, plus strand): 5'-GAGACTATGGACTGCTAGTGAGCAGCCTGGATGAGCATGTGGCCACTGTGACCCAGGACC[G>A]GGCCTTCCCTCTGGTAGTGGCTGAGGCCGAGGGGTCAGGGGAGCTGCTTCGCGCAGAGCT-3'
Protein context (NP_001291367.1, residues 757-777): DEHVATVTQD[Arg767Gln]AFPLVVAEAE

ClinVar aggregate classification (germline): Conflicting classifications of pathogenicity. Review status: criteria provided, conflicting classifications (1 of 4 stars). 4 submissions from 4 submitters: Uncertain significance (1); Likely benign (2). 1 of the submissions does not count toward it. Last evaluated 2026-01-17.

Conditions:
TMEM132E-related disorder. Also called: TMEM132E-related condition.

Allele frequency attached by ClinVar (database versions not stated): gnomAD exomes 0.00028; ExAC 0.00036; gnomAD 0.00093 and 0.00100; 1000 Genomes Project 0.00100; TOPMed 0.00105; ESP Exome Variant Server 0.00115; 1000 Genomes Project 30x 0.00125.
gnomAD v4.1: 287 of 1,614,154 alleles (0.018%); highest among the groups gnomAD compares: African/African-American, 0.35%; 1 homozygote.

Submissions (4):

Labcorp Genetics (formerly Invitae), Labcorp
Classification: Likely benign. Last evaluated: 2026-01-17. Review status: criteria provided, single submitter. Criteria: Invitae Variant Classification Sherloc (09022015). Collection method: clinical testing. Allele origin: germline.

Blueprint Genetics
Classification: Uncertain significance. Last evaluated: 2024-09-16. Review status: criteria provided, single submitter. Criteria: ACMG Guidelines, 2015. Collection method: clinical testing. Allele origin: germline.

Eurofins Ntd Llc (ga)
Classification: Likely benign. Last evaluated: 2017-04-21. Review status: criteria provided, single submitter. Criteria: EGL Classification Definitions 2015. Collection method: clinical testing. Allele origin: germline. Observed: 1 variant allele, 1 heterozygote.

PreventionGenetics, part of Exact Sciences
Classification: Likely benign for TMEM132E-related condition. Last evaluated: 2023-09-22. Review status: no assertion criteria provided. Collection method: clinical testing. Allele origin: germline. Not counted in ClinVar's aggregate classification.
Comment: This variant is classified as likely benign based on ACMG/AMP sequence variant interpretation guidelines (Richards et al. 2015 PMID: 25741868, with internal and published modifications).